The following is an entry in ClinVar:

ClinVar aggregate classification (germline): Conflicting classifications of pathogenicity. Review status: criteria provided, conflicting classifications (1 of 4 stars). 4 submissions from 4 submitters: Uncertain significance (2); Likely benign (2). Last evaluated 2025-01-13.

Conditions:
Joubert syndrome 21 (JBTS21). Identifiers: MedGen C3810212, MONDO:0014288, OMIM 615636.

Allele frequency attached by ClinVar (database versions not stated): ESP Exome Variant Server 0.00017; 1000 Genomes Project 0.00020; gnomAD exomes 0.00029; 1000 Genomes Project 30x 0.00031; gnomAD 0.00031 and 0.00034; ExAC 0.00033; TOPMed 0.00039.
gnomAD v4.1: 493 of 1,572,752 alleles (0.031%); highest among the groups gnomAD compares: Middle Eastern, 1.2%; 5 homozygotes.

Submissions (4):

Labcorp Genetics (formerly Invitae), Labcorp
Classification: Uncertain significance for Joubert syndrome 21. Last evaluated: 2025-01-13. Review status: criteria provided, single submitter. Criteria: Invitae Variant Classification Sherloc (09022015). Collection method: clinical testing. Allele origin: germline.
Comment: This sequence change replaces arginine, which is basic and polar, with glycine, which is neutral and non-polar, at codon 658 of the CSPP1 protein (p.Arg658Gly). This variant is present in population databases (rs199996939, gnomAD 0.09%). This variant has not been reported in the literature in individuals affected with CSPP1-related conditions. ClinVar contains an entry for this variant (Variation ID: 658221). An algorithm developed to predict the effect of missense changes on protein structure and function (PolyPhen-2) suggests that this variant¬†is likely to be tolerated. In summary, the available evidence is currently insufficient to determine the role of this variant in disease. Therefore, it has been classified as a Variant of Uncertain Significance.

Blueprint Genetics
Classification: Likely benign. Last evaluated: 2024-10-15. Review status: criteria provided, single submitter. Criteria: ACMG Guidelines, 2015. Collection method: clinical testing. Allele origin: germline.

GeneDx
Classification: Likely benign. Last evaluated: 2020-07-17. Review status: criteria provided, single submitter. Criteria: GeneDx Variant Classification Process June 2021. Collection method: clinical testing. Allele origin: germline. Affected: yes.
Comment: This variant is associated with the following publications: (PMID: 33270637, 26092869)

Baylor Genetics
Classification: Uncertain significance for Joubert syndrome 21. Last evaluated: 2019-12-20. Review status: criteria provided, single submitter. Criteria: ACMG Guidelines, 2015. Collection method: clinical testing. Allele origin: unknown. Affected: yes.
Comment: This variant was determined to be of uncertain significance according to ACMG Guidelines, 2015 [PMID:25741868].

NM_001382391.1(CSPP1):c.1987A>G (p.Arg663Gly)

Gene: CSPP1 (centrosome and spindle pole associated protein 1; plus strand). Cytogenetic location: 8q13.2.
Variant type: single nucleotide variant.
Coding change: c.1987A>G on transcript NM_001382391.1 (MANE Select); coding-DNA position 1987, A replaced by G.
Protein change: p.Arg663Gly; replaces arginine 663 with glycine.
Molecular consequence: missense variant. On other transcripts: intron variant (3).
Genome position (GRCh38, 1-based): chr8:67,149,794, A>G. VCF-style: chr8-67149794-A-G. GRCh37 (hg19) VCF-style: chr8-68062029-A-G.
Other names: c.1906A>G, p.Arg636Gly (NM_001363131.2); c.2053A>G, p.Arg685Gly (NM_001364869.1); c.1873A>G, p.Arg625Gly (NM_001364870.1); c.1972A>G, p.Arg658Gly (NM_024790.7); c.1934-4230A>G (NM_001363132.2); c.1853-4230A>G (NM_001363133.2); c.1079-4230A>G (NM_001291339.2); short protein forms R685G, R625G, R636G, R658G, R663G.
Identifiers: ClinVar variation 658221 (VCV000658221.11), dbSNP rs199996939, ClinGen allele CA4770717.